The following is an entry in ClinVar:

ClinVar aggregate classification (germline): Likely benign (1 of 4 stars; one submission).

gnomAD v4.1: 9 of 1,613,992 alleles (0.00056%); highest among the groups gnomAD compares: African/African-American, 0.011%; no homozygotes.

Submission:

CeGaT Center for Human Genetics Tuebingen
Classification: Likely benign. Last evaluated: 2025-11-01. Review status: criteria provided, single submitter. Criteria: CeGaT Center For Human Genetics Tuebingen Variant Classification Criteria Version 2. Collection method: clinical testing. Allele origin: germline. Affected: yes. Observed: 1 variant allele.
Comment: ALS2: BP4, BP7

NM_020919.4(ALS2):c.273A>G (p.Gln91=)

Gene: ALS2 (alsin Rho guanine nucleotide exchange factor ALS2; minus strand). Cytogenetic location: 2q33.1.
Variant type: single nucleotide variant.
Coding change: c.273A>G on transcript NM_020919.4 (MANE Select); coding-DNA position 273, A replaced by G.
Protein change: p.Gln91=; no amino-acid change (glutamine 91 retained).
Molecular consequence: synonymous variant.
Genome position (GRCh38, 1-based): chr2:201,761,721, T>C on the plus strand (A>G on the coding strand, the complement: ALS2 is on the minus strand). VCF-style: chr2-201761721-T-C. GRCh37 (hg19) VCF-style: chr2-202626444-T-C.
Other names: c.273A>G, p.Gln91= (NM_001135745.2, NM_001410975.1).
Identifiers: ClinVar variation 4681770 (VCV004681770.5).